The following is an entry in ClinVar:

ClinVar aggregate classification (germline): Uncertain significance (1 of 4 stars; one submission).

Conditions:
Catecholaminergic polymorphic ventricular tachycardia 1. Also called: VENTRICULAR TACHYCARDIA, STRESS-INDUCED POLYMORPHIC 1; VENTRICULAR TACHYCARDIA, CATECHOLAMINERGIC POLYMORPHIC, 1, WITH OR WITHOUT ATRIAL DYSFUNCTION AND/OR DILATED CARDIOMYOPATHY; RYR2-Related Catecholaminergic Polymorphic Ventricular Tachycardia. Identifiers: Orphanet 3286, MedGen C1631597, MONDO:0011484, OMIM 604772.

Allele frequency attached by ClinVar (database versions not stated): ExAC 0.00003.
gnomAD v4.1: 1 of 1,573,246 alleles (0.000064%); highest among the groups gnomAD compares: Non-Finnish European, 0.000086%; no homozygotes.

Submission:

Labcorp Genetics (formerly Invitae), Labcorp
Classification: Uncertain significance for Catecholaminergic polymorphic ventricular tachycardia 1. Last evaluated: 2022-03-29. Review status: criteria provided, single submitter. Criteria: Invitae Variant Classification Sherloc (09022015). Collection method: clinical testing. Allele origin: germline.
Comment: In summary, the available evidence is currently insufficient to determine the role of this variant in disease. Therefore, it has been classified as a Variant of Uncertain Significance. Advanced modeling of protein sequence and biophysical properties (such as structural, functional, and spatial information, amino acid conservation, physicochemical variation, residue mobility, and thermodynamic stability) performed at Invitae indicates that this missense variant is expected to disrupt RYR2 protein function. This variant has not been reported in the literature in individuals affected with RYR2-related conditions. This variant is not present in population databases (gnomAD no frequency). This sequence change replaces alanine, which is neutral and non-polar, with valine, which is neutral and non-polar, at codon 3807 of the RYR2 protein (p.Ala3807Val).

NM_001035.3(RYR2):c.11420C>T (p.Ala3807Val)

Gene: RYR2 (ryanodine receptor 2; plus strand). Cytogenetic location: 1q43.
Variant type: single nucleotide variant.
Coding change: c.11420C>T on transcript NM_001035.3 (MANE Select); coding-DNA position 11420, C replaced by T.
Protein change: p.Ala3807Val; replaces alanine 3807 with valine.
Molecular consequence: missense variant.
Genome position (GRCh38, 1-based): chr1:237,760,972, C>T. VCF-style: chr1-237760972-C-T. GRCh37 (hg19) VCF-style: chr1-237924272-C-T.
Other names: short protein forms A3807V.
Identifiers: ClinVar variation 1933047 (VCV001933047.5), dbSNP rs775604089, ClinGen allele CA084955.